The following is an entry in ClinVar:

NM_201525.4(ADGRG1):c.1554G>C (p.Trp518Cys)

Gene: ADGRG1 (adhesion G protein-coupled receptor G1; plus strand). Cytogenetic location: 16q21.
Variant type: single nucleotide variant.
Coding change: c.1554G>C on transcript NM_201525.4 (MANE Select); coding-DNA position 1554, G replaced by C.
Protein change: p.Trp518Cys; replaces tryptophan 518 with cysteine.
Molecular consequence: missense variant.
Genome position (GRCh38, 1-based): chr16:57,659,680, G>C. VCF-style: chr16-57659680-G-C. GRCh37 (hg19) VCF-style: chr16-57693592-G-C.
Other names: c.1554G>C, p.Trp518Cys (NM_001145770.3, NM_001145772.3, NM_001145774.3 and 7 more transcripts); c.1572G>C, p.Trp524Cys (NM_001145771.3, NM_001370428.1, NM_001370429.1 and 4 more transcripts); c.1569G>C, p.Trp523Cys (NM_001145773.3, NM_001370433.1, NM_001370434.1); c.1062G>C, p.Trp354Cys (NM_001290142.2); c.1047G>C, p.Trp349Cys (NM_001290143.2); c.1029G>C, p.Trp343Cys (NM_001290144.2, NM_001370451.1, NM_001370453.1 and 1 more transcripts); c.1551G>C, p.Trp517Cys (NM_001370441.1); c.1398G>C, p.Trp466Cys (NM_001370442.1); short protein forms W343C, W349C, W354C, W466C, W517C, W518C, W523C, W524C.
Identifiers: ClinVar variation 1311306 (VCV001311306.2), dbSNP rs2148540643, ClinGen allele CA396051452.

ClinVar aggregate classification (germline): Uncertain significance (1 of 4 stars; one submission).

Submission:

GeneDx
Classification: Uncertain significance. Last evaluated: 2019-12-26. Review status: criteria provided, single submitter. Criteria: GeneDx Variant Classification Process June 2021. Collection method: clinical testing. Allele origin: germline. Affected: yes.
Comment: Not observed in large population cohorts (Lek et al., 2016); In silico analysis, which includes protein predictors and evolutionary conservation, supports a deleterious effect; Has not been previously published as pathogenic or benign to our knowledge